The following is an entry in ClinVar:

ClinVar aggregate classification (germline): Uncertain significance. Review status: criteria provided, multiple submitters, no conflicts (2 of 4 stars). 2 submissions from 2 submitters: Uncertain significance (2). Last evaluated 2025-06-22.

Conditions:
Inborn genetic diseases. Identifiers: MedGen C0950123, MeSH D030342.

Allele frequency attached by ClinVar (database versions not stated): gnomAD exomes below 0.00001; gnomAD 0.00001; TOPMed 0.00001.
gnomAD v4.1: 3 of 1,613,850 alleles (0.00019%); highest among the groups gnomAD compares: Admixed American, 0.005%; no homozygotes.

Submissions (2):

Ambry Genetics
Classification: Uncertain significance for Inborn genetic diseases. Last evaluated: 2025-06-22. Review status: criteria provided, single submitter. Criteria: Ambry Variant Classification Scheme 2023. Collection method: clinical testing. Allele origin: germline.

GeneDx
Classification: Uncertain significance. Last evaluated: 2023-03-29. Review status: criteria provided, single submitter. Criteria: GeneDx Variant Classification Process June 2021. Collection method: clinical testing. Allele origin: germline. Affected: yes.
Comment: Has not been previously published as pathogenic or benign to our knowledge; In silico analysis supports that this missense variant has a deleterious effect on protein structure/function

NM_005245.4(FAT1):c.7505C>A (p.Ala2502Asp)

Gene: FAT1 (FAT atypical cadherin 1; minus strand). Cytogenetic location: 4q35.2.
Variant type: single nucleotide variant.
Coding change: c.7505C>A on transcript NM_005245.4 (MANE Select); coding-DNA position 7505, C replaced by A.
Protein change: p.Ala2502Asp; replaces alanine 2502 with aspartic acid.
Molecular consequence: missense variant.
Genome position (GRCh38, 1-based): chr4:186,619,081, G>T on the plus strand (C>A on the coding strand, the complement: FAT1 is on the minus strand). VCF-style: chr4-186619081-G-T. GRCh37 (hg19) VCF-style: chr4-187540235-G-T.
Other names: short protein forms A2502D.
Identifiers: ClinVar variation 2581906 (VCV002581906.2), dbSNP rs1449321821, ClinGen allele CA358964712.